The following is an entry in ClinVar:

ClinVar aggregate classification (germline): Uncertain significance (1 of 4 stars; one submission).

Conditions:
Long QT syndrome (LQTS). Identifiers: MedGen C0023976, MeSH D008133, MONDO:0002442. Disease mechanism: loss of function. Inheritance: Various modes of inheritance.

gnomAD v4.1: 5 of 1,340,360 alleles (0.00037%); highest among the groups gnomAD compares: South Asian, 0.0074%; no homozygotes.

Submission:

Labcorp Genetics (formerly Invitae), Labcorp
Classification: Uncertain significance for Long QT syndrome. Last evaluated: 2025-10-23. Review status: criteria provided, single submitter. Criteria: Invitae Variant Classification Sherloc (09022015). Collection method: clinical testing. Allele origin: germline.
Comment: This sequence change replaces alanine, which is neutral and non-polar, with serine, which is neutral and polar, at codon 68 of the SNTA1 protein (p.Ala68Ser). This variant is not present in population databases (gnomAD no frequency). This variant has not been reported in the literature in individuals affected with SNTA1-related conditions. An algorithm developed to predict the effect of missense changes on protein structure and function (PolyPhen-2) suggests that this variant is likely to be tolerated. In summary, the available evidence is currently insufficient to determine the role of this variant in disease. Therefore, it has been classified as a Variant of Uncertain Significance.

NM_003098.3(SNTA1):c.202G>T (p.Ala68Ser)

Gene: SNTA1 (syntrophin alpha 1; minus strand). Cytogenetic location: 20q11.21.
Variant type: single nucleotide variant.
Coding change: c.202G>T on transcript NM_003098.3 (MANE Select); coding-DNA position 202, G replaced by T.
Protein change: p.Ala68Ser; replaces alanine 68 with serine.
Molecular consequence: missense variant.
Genome position (GRCh38, 1-based): chr20:33,443,419, C>A on the plus strand (G>T on the coding strand, the complement: SNTA1 is on the minus strand). VCF-style: chr20-33443419-C-A. GRCh37 (hg19) VCF-style: chr20-32031225-C-A.
Other names: c.202G>T, p.Ala68Ser (NM_001424413.1, NM_001424414.1); short protein forms A68S.
Identifiers: ClinVar variation 4747611 (VCV004747611.1).